The following is an entry in ClinVar:

ClinVar aggregate classification (germline): Likely benign. Review status: criteria provided, multiple submitters, no conflicts (2 of 4 stars). 2 submissions from 2 submitters: Likely benign (2). Last evaluated 2026-02-01.

gnomAD v4.1: 9 of 1,613,918 alleles (0.00056%); highest among the groups gnomAD compares: Middle Eastern, 0.033%; no homozygotes.

Submissions (2):

CeGaT Center for Human Genetics Tuebingen
Classification: Likely benign. Last evaluated: 2026-02-01. Review status: criteria provided, single submitter. Criteria: CeGaT Center For Human Genetics Tuebingen Variant Classification Criteria Version 2. Collection method: clinical testing. Allele origin: germline. Affected: yes. Observed: 1 variant allele.
Comment: KARS1: BP4, BP7

Labcorp Genetics (formerly Invitae), Labcorp
Classification: Likely benign. Last evaluated: 2025-06-18. Review status: criteria provided, single submitter. Criteria: Invitae Variant Classification Sherloc (09022015). Collection method: clinical testing. Allele origin: germline.

NM_005548.3(KARS1):c.985T>C (p.Leu329=)

Gene: KARS1 (lysyl-tRNA synthetase 1; minus strand). Cytogenetic location: 16q23.1.
Variant type: single nucleotide variant.
Coding change: c.985T>C on transcript NM_005548.3 (MANE Select); coding-DNA position 985, T replaced by C.
Protein change: p.Leu329=; no amino-acid change (leucine 329 retained).
Molecular consequence: synonymous variant.
Genome position (GRCh38, 1-based): chr16:75,631,786, A>G on the plus strand (T>C on the coding strand, the complement: KARS1 is on the minus strand). VCF-style: chr16-75631786-A-G. GRCh37 (hg19) VCF-style: chr16-75665684-A-G.
Other names: c.1069T>C, p.Leu357= (NM_001130089.2); c.517T>C, p.Leu173= (NM_001378148.1).
Identifiers: ClinVar variation 4772704 (VCV004772704.5).